The following is an entry in ClinVar:

ClinVar aggregate classification (germline): Benign (1 of 4 stars; one submission).

Allele frequency attached by ClinVar (database versions not stated): 1000 Genomes Project 0.36122; 1000 Genomes Project 30x 0.36368; gnomAD 0.40073 and 0.40405; TOPMed 0.40105.
gnomAD v4.1: 60,734 of 151,938 alleles (40%); highest among the groups gnomAD compares: African/African-American, 47%; 12,471 homozygotes.

Submission:

GeneDx
Classification: Benign. Last evaluated: 2018-06-14. Review status: criteria provided, single submitter. Criteria: GeneDx Variant Classification (06012015). Collection method: clinical testing. Allele origin: germline. Affected: yes.
Comment: This variant is considered likely benign or benign based on one or more of the following criteria: it is a conservative change, it occurs at a poorly conserved position in the protein, it is predicted to be benign by multiple in silico algorithms, and/or has population frequency not consistent with disease.

NM_005751.5(AKAP9):c.5368+280T>C

Gene: AKAP9 (A-kinase anchoring protein 9; plus strand). Cytogenetic location: 7q21.2.
Variant type: single nucleotide variant.
Coding change: c.5368+280T>C on transcript NM_005751.5 (MANE Select); 280 bases into the intron after coding-DNA position 5368, T replaced by C.
Molecular consequence: intron variant.
Genome position (GRCh38, 1-based): chr7:92,045,493, T>C. VCF-style: chr7-92045493-T-C. GRCh37 (hg19) VCF-style: chr7-91674807-T-C.
Other names: c.5368+280T>C (NM_147185.3).
Identifiers: ClinVar variation 682750 (VCV000682750.1), dbSNP rs11971885, ClinGen allele CA12568559.